The following is an entry in ClinVar:

ClinVar aggregate classification (germline): Uncertain significance (1 of 4 stars; one submission).

Conditions:
Multiple endocrine neoplasia, type 1 (MEN1). Also called: Endocrine adenomatosis multiple; MEN 1; MEN I; WERMER SYNDROME; MEA I. Identifiers: Orphanet 652, MedGen C0025267, MeSH D018761, MONDO:0007540, OMIM 131100.

Allele frequency attached by ClinVar (database versions not stated): gnomAD exomes below 0.00001.
gnomAD v4.1: 1 of 1,613,558 alleles (0.000062%); highest among the groups gnomAD compares: Admixed American, 0.0017%; no homozygotes.

Submission:

Labcorp Genetics (formerly Invitae), Labcorp
Classification: Uncertain significance for Multiple endocrine neoplasia, type 1. Last evaluated: 2024-02-09. Review status: criteria provided, single submitter. Criteria: Invitae Variant Classification Sherloc (09022015). Collection method: clinical testing. Allele origin: germline.
Comment: This sequence change falls in intron 8 of the MEN1 gene. It does not directly change the encoded amino acid sequence of the MEN1 protein. It affects a nucleotide within the consensus splice site. This variant is present in population databases (no rsID available, gnomAD 0.003%). This variant has not been reported in the literature in individuals affected with MEN1-related conditions. ClinVar contains an entry for this variant (Variation ID: 1006233). Variants that disrupt the consensus splice site are a relatively common cause of aberrant splicing (PMID: 17576681, 9536098). Algorithms developed to predict the effect of sequence changes on RNA splicing suggest that this variant is not likely to affect RNA splicing. In summary, the available evidence is currently insufficient to determine the role of this variant in disease. Therefore, it has been classified as a Variant of Uncertain Significance.

Literature cited by the submitters: PubMed 17576681; PubMed 9536098.

NM_001370259.2(MEN1):c.1185+3G>A

Gene: MEN1 (menin 1; minus strand). Cytogenetic location: 11q13.1.
Variant type: single nucleotide variant.
Coding change: c.1185+3G>A on transcript NM_001370259.2 (MANE Select); 3 bases into the intron after coding-DNA position 1185, G replaced by A.
Molecular consequence: intron variant.
Genome position (GRCh38, 1-based): chr11:64,805,632, C>T on the plus strand (G>A on the coding strand, the complement: MEN1 is on the minus strand). VCF-style: chr11-64805632-C-T. GRCh37 (hg19) VCF-style: chr11-64573104-C-T.
Other names: c.1200+3G>A (NM_130804.3, NM_130803.3, NM_000244.4 and 3 more transcripts); c.1185+3G>A (NM_130799.3, NM_001370260.2, NM_001370261.2); c.1311+3G>A (NM_001370251.2); c.1080+3G>A (NM_001370263.2, NM_001370262.2).
Identifiers: ClinVar variation 1006233 (VCV001006233.6), dbSNP rs1199137996, ClinGen allele CA599656469.